The following is an entry in ClinVar:

ClinVar aggregate classification (germline): Pathogenic (1 of 4 stars; one submission).

Conditions:
Autosomal recessive nonsyndromic hearing loss 3. Also called: NEUROSENSORY NONSYNDROMIC RECESSIVE DEAFNESS 3. Identifiers: Orphanet 90636, MedGen C1838263, MONDO:0010860, OMIM 600316.

Submission:

Institute of Rare Diseases, West China Hospital, Sichuan University
Classification: Pathogenic for Autosomal recessive nonsyndromic hearing loss 3. Last evaluated: 2025-01-09. Review status: criteria provided, single submitter. Criteria: ClinGen HL ACMG Specifications v1. Collection method: research. Allele origin: germline. Affected: yes.
Comment: PVS1;PM2_Supporting;PM3;PP1

NM_016239.4(MYO15A):c.6226C>T (p.Gln2076Ter)

Gene: MYO15A (myosin XVA; plus strand). Cytogenetic location: 17p11.2.
Variant type: single nucleotide variant.
Coding change: c.6226C>T on transcript NM_016239.4 (MANE Select); coding-DNA position 6226, C replaced by T.
Protein change: p.Gln2076Ter; replaces glutamine 2076 with a stop codon.
Molecular consequence: nonsense.
Genome position (GRCh38, 1-based): chr17:18,144,545, C>T. VCF-style: chr17-18144545-C-T. GRCh37 (hg19) VCF-style: chr17-18047859-C-T.
Other names: short protein forms Q2076*.
Identifiers: ClinVar variation 3601366 (VCV003601366.1).